The following is an entry in ClinVar:

NM_001195263.2(PDZD7):c.2319_2342del (p.773RS[2])

Gene: PDZD7 (PDZ domain containing 7; minus strand). Cytogenetic location: 10q24.31.
Variant type: Deletion.
Coding change: c.2319_2342del on transcript NM_001195263.2 (MANE Select); coding-DNA positions 2319 to 2342, 24 bases deleted (TAGCCGCAGCCGTAGCCGCAGCCG).
Protein change: p.773RS[2].
Molecular consequence: inframe deletion.
Genome position (GRCh38, 1-based): chr10:101,010,547-101,010,570, CGGCTGCGGCTACGGCTGCGGCTA deleted on the plus strand (TAGCCGCAGCCGTAGCCGCAGCCG on the coding strand, the reverse complement: PDZD7 is on the minus strand); deleting any 24 consecutive bases within chr10:101,010,547-101,010,575 gives the same sequence; the c. name uses the placement nearest the transcript's 3' end. VCF-style (leftmost placement, unchanged base first): chr10-101010546-GCGGCTGCGGCTACGGCTGCGGCTA-G. GRCh37 (hg19) VCF-style: chr10-102770303-GCGGCTGCGGCTACGGCTGCGGCTA-G.
Identifiers: ClinVar variation 935579 (VCV000935579.8), dbSNP rs762000985, ClinGen allele CA5653977.

ClinVar aggregate classification (germline): Uncertain significance. Review status: criteria provided, multiple submitters, no conflicts (2 of 4 stars). 4 submissions from 4 submitters: Uncertain significance (4). Last evaluated 2025-01-16.

Conditions:
Usher syndrome type 2A. Also called: RETINAL DISEASE IN USHER SYNDROME TYPE IIA, MODIFIER OF; USHER SYNDROME, TYPE IIA. Identifiers: Orphanet 231178, Orphanet 886, MedGen C1848634, MONDO:0010169, OMIM 276901.
Hearing loss, autosomal recessive 57. Also called: DEAFNESS, AUTOSOMAL RECESSIVE 57. Identifiers: MedGen C4693893, MONDO:0033201, OMIM 618003.
Usher syndrome type 2C. Also called: Usher syndrome, type 2B; USHER SYNDROME, TYPE IIC. Identifiers: Orphanet 231178, Orphanet 886, MedGen C2931213, MONDO:0011558, OMIM 605472.

Submissions (4):

GeneDx
Classification: Uncertain significance. Last evaluated: 2025-01-16. Review status: criteria provided, single submitter. Criteria: GeneDx Variant Classification Process June 2021. Collection method: clinical testing. Allele origin: germline. Affected: yes.
Comment: In-frame deletion of 8 amino acids in a repetitive region with no known function; Has not been previously published as pathogenic or benign to our knowledge; In silico analysis does not support a benign or deleterious effect of this variant on protein structure/function

Fulgent Genetics
Classification: Uncertain significance for Usher syndrome type 2A; Usher syndrome type 2C; Hearing loss, autosomal recessive 57. Last evaluated: 2023-12-29. Review status: criteria provided, single submitter. Criteria: ACMG Guidelines, 2015. Collection method: clinical testing. Allele origin: germline.

Blueprint Genetics
Classification: Uncertain significance. Last evaluated: 2022-10-31. Review status: criteria provided, single submitter. Criteria: ACMG Guidelines, 2015. Collection method: clinical testing. Allele origin: germline.

Labcorp Genetics (formerly Invitae), Labcorp
Classification: Uncertain significance. Last evaluated: 2022-10-17. Review status: criteria provided, single submitter. Criteria: Invitae Variant Classification Sherloc (09022015). Collection method: clinical testing. Allele origin: germline.
Comment: This variant, c.2319_2342del, results in the deletion of 8 amino acid(s) of the PDZD7 protein (p.Arg777_Ser784del), but otherwise preserves the integrity of the reading frame. This variant is present in population databases (rs762000985, gnomAD 0.02%). This variant has not been reported in the literature in individuals affected with PDZD7-related conditions. ClinVar contains an entry for this variant (Variation ID: 935579). Experimental studies and prediction algorithms are not available or were not evaluated, and the functional significance of this variant is currently unknown. In summary, the available evidence is currently insufficient to determine the role of this variant in disease. Therefore, it has been classified as a Variant of Uncertain Significance.